The following is an entry in ClinVar:

NM_001354604.2(MITF):c.1423A>G (p.Thr475Ala)

Gene: MITF (melanocyte inducing transcription factor; plus strand). Cytogenetic location: 3p13.
Variant type: single nucleotide variant.
Coding change: c.1423A>G on transcript NM_001354604.2 (MANE Select); coding-DNA position 1423, A replaced by G.
Protein change: p.Thr475Ala; replaces threonine 475 with alanine.
Molecular consequence: missense variant.
Genome position (GRCh38, 1-based): chr3:69,965,090, A>G. VCF-style: chr3-69965090-A-G. GRCh37 (hg19) VCF-style: chr3-70014241-A-G.
Other names: c.1249A>G, p.Thr417Ala (NM_001184967.2, NM_001354608.2); c.1420A>G, p.Thr474Ala (NM_001354605.2); c.1402A>G, p.Thr468Ala (NM_001354606.2, NM_006722.3); c.1354A>G, p.Thr452Ala (NM_001354607.2); c.1084A>G, p.Thr362Ala (NM_198158.3); c.1405A>G, p.Thr469Ala (NM_198159.3); c.1357A>G, p.Thr453Ala (NM_198177.3); c.916A>G, p.Thr306Ala (NM_198178.3); and 1 more; short protein forms T469A, T362A, T368A, T453A, T468A, T452A, T306A, T417A.
Identifiers: ClinVar variation 3873232 (VCV003873232.1).

ClinVar aggregate classification (germline): Uncertain significance (1 of 4 stars; one submission).

Conditions:
Hereditary cancer-predisposing syndrome. Also called: Tumor predisposition; Neoplastic Syndromes, Hereditary; Hereditary Cancer Syndrome; Hereditary neoplastic syndrome. Identifiers: Orphanet 140162, MedGen C0027672, MeSH D009386, MONDO:0015356.

gnomAD v4.1: 4 of 1,614,142 alleles (0.00025%); highest among the groups gnomAD compares: East Asian, 0.0022%; no homozygotes.

Submission:

Ambry Genetics
Classification: Uncertain significance for Hereditary cancer-predisposing syndrome. Last evaluated: 2025-01-25. Review status: criteria provided, single submitter. Criteria: Ambry Variant Classification Scheme 2023. Collection method: clinical testing. Allele origin: germline.
Comment: The p.T368A variant (also known as c.1102A>G), located in coding exon 9 of the MITF gene, results from an A to G substitution at nucleotide position 1102. The threonine at codon 368 is replaced by alanine, an amino acid with similar properties. This amino acid position is conserved. In addition, this alteration is predicted to be tolerated by in silico analysis. Based on the available evidence, the clinical significance of this variant remains unclear.